The following is an entry in ClinVar:

NM_000562.3(C8A):c.554G>A (p.Trp185Ter)

Gene: C8A (complement C8 alpha chain; plus strand). Cytogenetic location: 1p32.2.
Variant type: single nucleotide variant.
Coding change: c.554G>A on transcript NM_000562.3 (MANE Select); coding-DNA position 554, G replaced by A.
Protein change: p.Trp185Ter; replaces tryptophan 185 with a stop codon.
Molecular consequence: nonsense.
Genome position (GRCh38, 1-based): chr1:56,881,534, G>A. VCF-style: chr1-56881534-G-A. GRCh37 (hg19) VCF-style: chr1-57347207-G-A.
Other names: short protein forms W185*.
Identifiers: ClinVar variation 3694359 (VCV003694359.2).

ClinVar aggregate classification (germline): Pathogenic (1 of 4 stars; one submission).

gnomAD v4.1: 12 of 1,613,646 alleles (0.00074%); highest among the groups gnomAD compares: Non-Finnish European, 0.001%; no homozygotes.

Submission:

Labcorp Genetics (formerly Invitae), Labcorp
Classification: Pathogenic. Last evaluated: 2025-10-29. Review status: criteria provided, single submitter. Criteria: Invitae Variant Classification Sherloc (09022015). Collection method: clinical testing. Allele origin: germline.
Comment: This sequence change creates a premature translational stop signal (p.Trp185*) in the C8A gene. It is expected to result in an absent or disrupted protein product. Loss-of-function variants in C8A are known to be pathogenic (PMID: 9759902). This variant is present in population databases (rs755874816, gnomAD 0.004%). This variant has not been reported in the literature in individuals affected with C8A-related conditions. ClinVar contains an entry for this variant (Variation ID: 3694359). For these reasons, this variant has been classified as Pathogenic.

Literature cited by the submitters: PubMed 9759902.